The following is an entry in ClinVar:

ClinVar aggregate classification (germline): Uncertain significance. Review status: criteria provided, multiple submitters, no conflicts (2 of 4 stars). 2 submissions from 2 submitters: Uncertain significance (2). Last evaluated 2024-08-17.

Conditions:
Hereditary pancreatitis (PCTT). Also called: PRSS1-Related Hereditary Pancreatitis; Hereditary chronic pancreatitis. Identifiers: Orphanet 676, MedGen C0238339, MONDO:0008185, OMIM 167800.

Allele frequency attached by ClinVar (database versions not stated): ExAC 0.00002; gnomAD 0.00003; 1000 Genomes Project 0.00020; 1000 Genomes Project 30x 0.00031.
gnomAD v4.1: 29 of 1,614,218 alleles (0.0018%); highest among the groups gnomAD compares: Non-Finnish European, 0.0024%; no homozygotes.

Submissions (2):

Ambry Genetics
Classification: Uncertain significance for Hereditary pancreatitis. Last evaluated: 2024-08-17. Review status: criteria provided, single submitter. Criteria: Ambry Variant Classification Scheme 2023. Collection method: clinical testing. Allele origin: germline.
Comment: The p.I299L variant (also known as c.895A>C), located in coding exon 8 of the CPA1 gene, results from an A to C substitution at nucleotide position 895. The isoleucine at codon 299 is replaced by leucine, an amino acid with highly similar properties. This amino acid position is not well conserved in available vertebrate species, and leucine is the reference amino acid in other vertebrate species. In addition, this alteration is predicted to be tolerated by in silico analysis. Since supporting evidence is limited at this time, the clinical significance of this alteration remains unclear.

Labcorp Genetics (formerly Invitae), Labcorp
Classification: Uncertain significance. Last evaluated: 2024-07-30. Review status: criteria provided, single submitter. Criteria: Invitae Variant Classification Sherloc (09022015). Collection method: clinical testing. Allele origin: germline.
Comment: This sequence change replaces isoleucine, which is neutral and non-polar, with leucine, which is neutral and non-polar, at codon 299 of the CPA1 protein (p.Ile299Leu). This variant is present in population databases (rs533352347, gnomAD 0.002%). This variant has not been reported in the literature in individuals affected with CPA1-related conditions. ClinVar contains an entry for this variant (Variation ID: 1765243). Advanced modeling of protein sequence and biophysical properties (such as structural, functional, and spatial information, amino acid conservation, physicochemical variation, residue mobility, and thermodynamic stability) performed at Invitae indicates that this missense variant is not expected to disrupt CPA1 protein function with a negative predictive value of 80%. In summary, the available evidence is currently insufficient to determine the role of this variant in disease. Therefore, it has been classified as a Variant of Uncertain Significance.

NM_001868.4(CPA1):c.895A>C (p.Ile299Leu)

Gene: CPA1 (carboxypeptidase A1; plus strand). Cytogenetic location: 7q32.2.
Variant type: single nucleotide variant.
Coding change: c.895A>C on transcript NM_001868.4 (MANE Select); coding-DNA position 895, A replaced by C.
Protein change: p.Ile299Leu; replaces isoleucine 299 with leucine.
Molecular consequence: missense variant.
Genome position (GRCh38, 1-based): chr7:130,385,253, A>C. VCF-style: chr7-130385253-A-C. GRCh37 (hg19) VCF-style: chr7-130025094-A-C.
Other names: short protein forms I299L.
Identifiers: ClinVar variation 1765243 (VCV001765243.8), dbSNP rs533352347, ClinGen allele CA4484989.
Genomic context (GRCh38, chr7:130,385,253, plus strand): 5'-TTTGCCAATTCCGAAGTGGAGGTCAAGTCCATTGTAGACTTTGTGAAGGACCATGGGAAC[A>C]TCAAGGCCTTCATCTCCATCCACAGCTACTCCCAGCTCCTCATGTATCCCTATGGCTACA-3'
Protein context (NP_001859.1, residues 289-309): IVDFVKDHGN[Ile299Leu]KAFISIHSYS